The following is an entry in ClinVar:

ClinVar aggregate classification (germline): Conflicting classifications of pathogenicity. Review status: criteria provided, conflicting classifications (1 of 4 stars). 4 submissions from 4 submitters: Uncertain significance (3); Likely benign (1). Last evaluated 2024-12-05.

Conditions:
Glucocorticoid-remediable aldosteronism. Also called: FH I; GLUCOCORTICOID-SUPPRESSIBLE HYPERALDOSTERONISM; Hyperaldosteronism, familial, type I; ACTH-DEPENDENT HYPERALDOSTERONISM SYNDROME; ALDOSTERONISM, SENSITIVE TO DEXAMETHASONE. Identifiers: Orphanet 403, MedGen C3838731, MONDO:0007080, OMIM 103900.
Deficiency of steroid 11-beta-monooxygenase (CYP11B1). Also called: ADRENAL HYPERPLASIA IV; Congenital adrenal hyperplasia due to 11-beta-hydroxylase deficiency; P450C11B1 DEFICIENCY; ADRENAL HYPERPLASIA, CONGENITAL, DUE TO STEROID 11-BETA-HYDROXYLASE DEFICIENCY; 11-BETA-HYDROXYLASE DEFICIENCY; STEROID 11-BETA-HYDROXYLASE DEFICIENCY. Identifiers: Orphanet 90795, MedGen C0268292, MONDO:0008729, OMIM 202010. Disease mechanism: loss of function.

Allele frequency attached by ClinVar (database versions not stated): TOPMed 0.00002; gnomAD 0.00008 and 0.00009; ESP Exome Variant Server 0.00023.

Submissions (4):

Labcorp Genetics (formerly Invitae), Labcorp
Classification: Uncertain significance. Last evaluated: 2024-12-05. Review status: criteria provided, single submitter. Criteria: Invitae Variant Classification Sherloc (09022015). Collection method: clinical testing. Allele origin: germline.
Comment: This sequence change replaces alanine, which is neutral and non-polar, with threonine, which is neutral and polar, at codon 180 of the CYP11B1 protein (p.Ala180Thr). This variant is present in population databases (rs140123041, gnomAD 0.03%). This variant has not been reported in the literature in individuals affected with CYP11B1-related conditions. ClinVar contains an entry for this variant (Variation ID: 585765). Invitae Evidence Modeling of protein sequence and biophysical properties (such as structural, functional, and spatial information, amino acid conservation, physicochemical variation, residue mobility, and thermodynamic stability) indicates that this missense variant is not expected to disrupt CYP11B1 protein function with a negative predictive value of 95%. In summary, the available evidence is currently insufficient to determine the role of this variant in disease. Therefore, it has been classified as a Variant of Uncertain Significance.

Blueprint Genetics
Classification: Likely benign. Last evaluated: 2024-10-07. Review status: criteria provided, single submitter. Criteria: ACMG Guidelines, 2015. Collection method: clinical testing. Allele origin: germline.

Fulgent Genetics
Classification: Uncertain significance for Glucocorticoid-remediable aldosteronism; Deficiency of steroid 11-beta-monooxygenase. Last evaluated: 2022-05-13. Review status: criteria provided, single submitter. Criteria: ACMG Guidelines, 2015. Collection method: clinical testing. Allele origin: unknown.

Athena Diagnostics
Classification: Uncertain significance. Last evaluated: 2017-10-16. Review status: criteria provided, single submitter. Criteria: Athena Diagnostics Criteria. Collection method: clinical testing. Allele origin: germline.

NM_000497.4(CYP11B1):c.538G>A (p.Ala180Thr)

Genes: CYP11B1 (cytochrome P450 family 11 subfamily B member 1; minus strand), LOC106799833 (CYP11B1 recombination region; plus strand). Cytogenetic location: 8q24.3.
Variant type: single nucleotide variant.
Coding change: c.538G>A on transcript NM_000497.4 (MANE Select); coding-DNA position 538, G replaced by A.
Protein change: p.Ala180Thr; replaces alanine 180 with threonine.
Molecular consequence: missense variant.
Genome position (GRCh38, 1-based): chr8:142,877,080, C>T on the plus strand (G>A on the coding strand, the complement: CYP11B1 is on the minus strand). VCF-style: chr8-142877080-C-T. GRCh37 (hg19) VCF-style: chr8-143958496-C-T.
Other names: c.538G>A, p.Ala180Thr (NM_001026213.1); short protein forms A180T.
Identifiers: ClinVar variation 585765 (VCV000585765.7), dbSNP rs140123041, ClinGen allele CA4905413.